The following is an entry in ClinVar:

ClinVar aggregate classification (germline): Uncertain significance (1 of 4 stars; one submission).

Conditions:
Psoriasis 2. Identifiers: MedGen C1864497, MONDO:0011269, OMIM 602723.
Pityriasis rubra pilaris (PRP). Also called: Pityriasis rubra pilaris--familial type. Identifiers: Orphanet 2897, MedGen C0032027, MONDO:0100017, OMIM 173200, MONDO:0008251.

Allele frequency attached by ClinVar (database versions not stated): gnomAD exomes below 0.00001; ExAC 0.00001; gnomAD 0.00001; TOPMed 0.00002.
gnomAD v4.1: 4 of 1,614,002 alleles (0.00025%); highest among the groups gnomAD compares: African/African-American, 0.004%; no homozygotes.

Submission:

Clinical Genomics Laboratory, Washington University in St. Louis
Classification: Uncertain significance for Pityriasis rubra pilaris; Psoriasis 2. Last evaluated: 2023-07-21. Review status: criteria provided, single submitter. Criteria: ACMG Guidelines, 2015. Collection method: clinical testing. Allele origin: germline.
Comment: The CARD14 c.251G>A (p.Gly84Glu) variant, to our knowledge, has not been reported in the medical literature and is only observed on 2/282,740 alleles in the general population (gnomAD v.2.1.1), indicating it is not a common variant. Computational predictors are uncertain as to the impact of this variant on CARD14 function. Due to limited information, and based on ACMG/AMP guidelines for variant interpretation (Richards S e t al., PMID: 25741868), the clinical significance of this variant is uncertain at this time.

NM_001366385.1(CARD14):c.251G>A (p.Gly84Glu)

Gene: CARD14 (caspase recruitment domain family member 14; plus strand). Cytogenetic location: 17q25.3.
Variant type: single nucleotide variant.
Coding change: c.251G>A on transcript NM_001366385.1 (MANE Select); coding-DNA position 251, G replaced by A.
Protein change: p.Gly84Glu; replaces glycine 84 with glutamic acid.
Molecular consequence: missense variant. On other transcripts: non-coding transcript variant (1).
Genome position (GRCh38, 1-based): chr17:80,182,692, G>A. VCF-style: chr17-80182692-G-A. GRCh37 (hg19) VCF-style: chr17-78156491-G-A.
Other names: c.251G>A, p.Gly84Glu (NM_001257970.1, NM_024110.4); short protein forms G84E.
Identifiers: ClinVar variation 2672147 (VCV002672147.1), dbSNP rs767900787, ClinGen allele CA8816377.
Genomic context (GRCh38, chr17:80,182,692, plus strand): 5'-CAGACGGTTCTGCCTCCCAAGGGCACTTGCTGGATTTGCTGAAGACTCGAGGGAAGAACG[G>A]GGCCATCGCCTTCCTGGAGAGCCTGAAGTTCCACAACCCTGACGTCTACACCCTGGTCAC-3'
Protein context (NP_001353314.1, residues 74-94): LDLLKTRGKN[Gly84Glu]AIAFLESLKF